The following is an entry in ClinVar:

ClinVar aggregate classification (germline): Uncertain significance (1 of 4 stars; one submission).

Submission:

GeneDx
Classification: Uncertain significance. Last evaluated: 2022-06-19. Review status: criteria provided, single submitter. Criteria: GeneDx Variant Classification Process June 2021. Collection method: clinical testing. Allele origin: germline. Affected: yes.
Comment: Not observed at significant frequency in large population cohorts (gnomAD); In silico analysis supports that this missense variant does not alter protein structure/function; Has not been previously published as pathogenic or benign to our knowledge

NM_005629.4(SLC6A8):c.493A>C (p.Thr165Pro)

Gene: SLC6A8 (solute carrier family 6 member 8; plus strand). Cytogenetic location: Xq28.
Variant type: single nucleotide variant.
Coding change: c.493A>C on transcript NM_005629.4 (MANE Select); coding-DNA position 493, A replaced by C.
Protein change: p.Thr165Pro; replaces threonine 165 with proline.
Molecular consequence: missense variant.
Genome position (GRCh38, 1-based): chrX:153,691,402, A>C. VCF-style: chrX-153691402-A-C. GRCh37 (hg19) VCF-style: chrX-152956857-A-C.
Other names: c.493A>C, p.Thr165Pro (NM_001142805.2); c.148A>C, p.Thr50Pro (NM_001142806.1); short protein forms T165P, T50P.
Identifiers: ClinVar variation 1804505 (VCV001804505.1), dbSNP rs2522155987, ClinGen allele CA415078810.